The following is an entry in ClinVar:

NM_145691.4(ATPAF2):c.179-2A>G

Gene: ATPAF2 (ATP synthase mitochondrial F1 complex assembly factor 2; minus strand). Cytogenetic location: 17p11.2.
Variant type: single nucleotide variant.
Coding change: c.179-2A>G on transcript NM_145691.4 (MANE Select); the canonical splice acceptor site of the intron before coding-DNA position 179, A replaced by G.
Molecular consequence: splice acceptor variant.
Genome position (GRCh38, 1-based): chr17:18,028,379, T>C on the plus strand (A>G on the coding strand, the complement: ATPAF2 is on the minus strand). VCF-style: chr17-18028379-T-C. GRCh37 (hg19) VCF-style: chr17-17931693-T-C.
Identifiers: ClinVar variation 4849379 (VCV004849379.1).
Genomic context (GRCh38, chr17:18,028,379, plus strand): 5'-AAAGAGCTTGGCTTGGGGAGTTTTCAGCTTCCTGTGGTCCAGGTTTATCTCAAAGCCACC[T>C]TGAAAGATCAAATGAAAAACTCTCAGGGATTTGTTAAGTGGAATCAAGTGACCATTCCTA-3'

ClinVar aggregate classification (germline): Likely pathogenic (1 of 4 stars; one submission).

Conditions:
Mitochondrial complex V (ATP synthase) deficiency, nuclear type 1. Also called: Nuclear-Encoded ATPase Deficiency, ATPAF2-Related; MITOCHONDRIAL COMPLEX V (ATP SYNTHASE) DEFICIENCY, ATPAF2 TYPE. Identifiers: Orphanet 254913, MedGen C3276276, MONDO:0011421, OMIM 604273.

gnomAD v4.1: 1 of 1,613,964 alleles (0.000062%); highest among the groups gnomAD compares: Middle Eastern, 0.016%; no homozygotes.

Submission:

First Genomix Gene Laboratory, Genetic Diagnostics Department
Classification: Likely pathogenic for Mitochondrial complex V (ATP synthase) deficiency, nuclear type 1. Last evaluated: 2025-06-16. Review status: criteria provided, single submitter. Criteria: ACMG Guidelines, 2015. Collection method: clinical testing. Allele origin: germline. Inheritance: Autosomal recessive inheritance. Affected: no. Observed: 1 variant allele.